The following is an entry in ClinVar:

NM_000159.4(GCDH):c.992T>C (p.Leu331Pro)

Gene: GCDH (glutaryl-CoA dehydrogenase; plus strand). Cytogenetic location: 19p13.13.
Variant type: single nucleotide variant.
Coding change: c.992T>C on transcript NM_000159.4 (MANE Select); coding-DNA position 992, T replaced by C.
Protein change: p.Leu331Pro; replaces leucine 331 with proline.
Molecular consequence: missense variant. On other transcripts: non-coding transcript variant (2).
Genome position (GRCh38, 1-based): chr19:12,897,338, T>C. VCF-style: chr19-12897338-T-C. GRCh37 (hg19) VCF-style: chr19-13008152-T-C.
Other names: c.992T>C, p.Leu331Pro (NM_013976.5); short protein forms L331P.
Identifiers: ClinVar variation 3687418 (VCV003687418.2).

ClinVar aggregate classification (germline): Uncertain significance (1 of 4 stars; one submission).

Conditions:
Glutaric aciduria, type 1. Also called: Glutaricaciduria, type I; Glutaric Acidemia Type 1; Glutaryl-CoA dehydrogenase deficiency; Glutaric acidemia type I; Glutaricacidemia Type 1; GA I. Identifiers: Orphanet 25, MedGen C0268595, MONDO:0009281, OMIM 231670.

Submission:

Labcorp Genetics (formerly Invitae), Labcorp
Classification: Uncertain significance for Glutaric aciduria, type 1. Last evaluated: 2024-10-19. Review status: criteria provided, single submitter. Criteria: Invitae Variant Classification Sherloc (09022015). Collection method: clinical testing. Allele origin: germline.
Comment: This sequence change replaces leucine, which is neutral and non-polar, with proline, which is neutral and non-polar, at codon 331 of the GCDH protein (p.Leu331Pro). This variant is not present in population databases (gnomAD no frequency). This variant has not been reported in the literature in individuals affected with GCDH-related conditions. Invitae Evidence Modeling of protein sequence and biophysical properties (such as structural, functional, and spatial information, amino acid conservation, physicochemical variation, residue mobility, and thermodynamic stability) indicates that this missense variant is expected to disrupt GCDH protein function with a positive predictive value of 80%. In summary, the available evidence is currently insufficient to determine the role of this variant in disease. Therefore, it has been classified as a Variant of Uncertain Significance.